The following is an entry in ClinVar:

NM_001387430.1(SH2B1):c.54G>A (p.Leu18=)

Gene: SH2B1 (SH2B adaptor protein 1; plus strand). Cytogenetic location: 16p11.2.
Variant type: single nucleotide variant.
Coding change: c.54G>A on transcript NM_001387430.1 (MANE Select); coding-DNA position 54, G replaced by A.
Protein change: p.Leu18=; no amino-acid change (leucine 18 retained).
Molecular consequence: synonymous variant. On other transcripts: intron variant (1).
Genome position (GRCh38, 1-based): chr16:28,866,148, G>A. VCF-style: chr16-28866148-G-A. GRCh37 (hg19) VCF-style: chr16-28877469-G-A.
Other names: c.54G>A, p.Leu18= (NM_001145795.2, NM_001145796.2, NM_001145797.2 and 4 more transcripts); c.-26-1226G>A (NM_001308294.2).
Identifiers: ClinVar variation 3054033 (VCV003054033.3), dbSNP rs755049475, ClinGen allele CA7985833.
Genomic context (GRCh38, chr16:28,866,148, plus strand): 5'-GCCCATCATGAATGGTGCCCCTTCCCCAGAGGACGGGGCCTCCCCCTCGTCTCCCCCGCT[G>A]CCCCCACCCCCGCCCCCTAGTTGGCGGGAGTTCTGTGAGTCCCACGCCCGGGCTGCGGCT-3'
Protein context (NP_001374359.1, residues 8-28): EDGASPSSPP[Leu18=]PPPPPPSWRE

ClinVar aggregate classification (germline): Likely benign. Review status: criteria provided, single submitter (1 of 4 stars). 2 submissions from 2 submitters: Likely benign (1). 1 of the submissions does not count toward it. Last evaluated 2021-11-02.

Conditions:
SH2B1-related disorder. Also called: SH2B1-related condition.

Allele frequency attached by ClinVar (database versions not stated): gnomAD exomes 0.00001; gnomAD 0.00002; ExAC 0.00005; TOPMed 0.00005.
gnomAD v4.1: 13 of 1,540,400 alleles (0.00084%); highest among the groups gnomAD compares: East Asian, 0.026%; no homozygotes.

Submissions (2):

Blueprint Genetics
Classification: Likely benign. Last evaluated: 2021-11-02. Review status: criteria provided, single submitter. Criteria: ACMG Guidelines, 2015. Collection method: clinical testing. Allele origin: germline.

PreventionGenetics, part of Exact Sciences
Classification: Likely benign for SH2B1-related condition. Last evaluated: 2021-12-20. Review status: no assertion criteria provided. Collection method: clinical testing. Allele origin: germline. Not counted in ClinVar's aggregate classification.
Comment: This variant is classified as likely benign based on ACMG/AMP sequence variant interpretation guidelines (Richards et al. 2015 PMID: 25741868, with internal and published modifications).